The following is an entry in ClinVar:

ClinVar aggregate classification (germline): Uncertain significance. Review status: criteria provided, multiple submitters, no conflicts (2 of 4 stars). 2 submissions from 2 submitters: Uncertain significance (2). Last evaluated 2025-07-18.

Conditions:
Hereditary cancer-predisposing syndrome. Also called: Hereditary Cancer Syndrome; Tumor predisposition; Hereditary neoplastic syndrome; Neoplastic Syndromes, Hereditary. Identifiers: Orphanet 140162, MedGen C0027672, MeSH D009386, MONDO:0015356.
BAP1-related tumor predisposition syndrome (TPDS1). Also called: COMMON Syndrome; TUMOR PREDISPOSITION SYNDROME 1; BAP1 tumor predisposition syndrome; Tumor susceptibility linked to germline BAP1 mutations. Identifiers: Orphanet 289539, MedGen C3280492, MONDO:0013692, OMIM 614327.

Submissions (2):

Ambry Genetics
Classification: Uncertain significance for Hereditary cancer-predisposing syndrome. Last evaluated: 2025-07-18. Review status: criteria provided, single submitter. Criteria: Ambry Variant Classification Scheme 2023. Collection method: clinical testing. Allele origin: germline.
Comment: The p.H169Y variant (also known as c.505C>T), located in coding exon 7 of the BAP1 gene, results from a C to T substitution at nucleotide position 505. The histidine at codon 169 is replaced by tyrosine, an amino acid with similar properties. This alteration was non-functional in a high throughput genome editing haploid cell survival functional assay (Waters AJ et al. Nat Genet, 2024 Jul;56:1434-1445). This amino acid position is highly conserved in available vertebrate species. In addition, this alteration is predicted to be deleterious by in silico analysis. Based on the available evidence, the clinical significance of this variant remains unclear.

Labcorp Genetics (formerly Invitae), Labcorp
Classification: Uncertain significance for BAP1-related tumor predisposition syndrome. Last evaluated: 2024-10-15. Review status: criteria provided, single submitter. Criteria: Invitae Variant Classification Sherloc (09022015). Collection method: clinical testing. Allele origin: germline.
Comment: This sequence change replaces histidine, which is basic and polar, with tyrosine, which is neutral and polar, at codon 169 of the BAP1 protein (p.His169Tyr). This variant is not present in population databases (gnomAD no frequency). This variant has not been reported in the literature in individuals affected with BAP1-related conditions. ClinVar contains an entry for this variant (Variation ID: 1047182). Invitae Evidence Modeling of protein sequence and biophysical properties (such as structural, functional, and spatial information, amino acid conservation, physicochemical variation, residue mobility, and thermodynamic stability) indicates that this missense variant is expected to disrupt BAP1 protein function with a positive predictive value of 80%. In summary, the available evidence is currently insufficient to determine the role of this variant in disease. Therefore, it has been classified as a Variant of Uncertain Significance.

Literature cited by the submitters: PubMed 38969833 (cited by Ambry Genetics).

NM_004656.4(BAP1):c.505C>T (p.His169Tyr)

Gene: BAP1 (BRCA1 associated deubiquitinase 1; minus strand). Cytogenetic location: 3p21.1.
Variant type: single nucleotide variant.
Coding change: c.505C>T on transcript NM_004656.4 (MANE Select); coding-DNA position 505, C replaced by T.
Protein change: p.His169Tyr; replaces histidine 169 with tyrosine.
Molecular consequence: missense variant.
Genome position (GRCh38, 1-based): chr3:52,407,249, G>A on the plus strand (C>T on the coding strand, the complement: BAP1 is on the minus strand). VCF-style: chr3-52407249-G-A. GRCh37 (hg19) VCF-style: chr3-52441265-G-A.
Other names: c.505C>T (NM_004656.2); short protein forms H169Y.
Identifiers: ClinVar variation 1047182 (VCV001047182.6), dbSNP rs1705195609, ClinGen allele CA353109970.